The following is an entry in ClinVar:

ClinVar aggregate classification (germline): Uncertain significance. Review status: criteria provided, multiple submitters, no conflicts (2 of 4 stars). 2 submissions from 2 submitters: Uncertain significance (2). Last evaluated 2025-03-07.

Conditions:
Inborn genetic diseases. Identifiers: MedGen C0950123, MeSH D030342.

gnomAD v4.1: 30 of 1,613,378 alleles (0.0019%); highest among the groups gnomAD compares: Non-Finnish European, 0.0025%; no homozygotes.

Submissions (2):

Ambry Genetics
Classification: Uncertain significance for Inborn genetic diseases. Last evaluated: 2025-03-07. Review status: criteria provided, single submitter. Criteria: Ambry Variant Classification Scheme 2023. Collection method: clinical testing. Allele origin: germline.

Labcorp Genetics (formerly Invitae), Labcorp
Classification: Uncertain significance. Last evaluated: 2024-11-03. Review status: criteria provided, single submitter. Criteria: Invitae Variant Classification Sherloc (09022015). Collection method: clinical testing. Allele origin: germline.
Comment: This sequence change replaces arginine, which is basic and polar, with leucine, which is neutral and non-polar, at codon 145 of the DUOX2 protein (p.Arg145Leu). This variant is present in population databases (no rsID available, gnomAD 0.002%). This variant has not been reported in the literature in individuals affected with DUOX2-related conditions. Invitae Evidence Modeling of protein sequence and biophysical properties (such as structural, functional, and spatial information, amino acid conservation, physicochemical variation, residue mobility, and thermodynamic stability) indicates that this missense variant is not expected to disrupt DUOX2 protein function with a negative predictive value of 80%. In summary, the available evidence is currently insufficient to determine the role of this variant in disease. Therefore, it has been classified as a Variant of Uncertain Significance.

NM_001363711.2(DUOX2):c.434G>T (p.Arg145Leu)

Gene: DUOX2 (dual oxidase 2; minus strand). Cytogenetic location: 15q21.1.
Variant type: single nucleotide variant.
Coding change: c.434G>T on transcript NM_001363711.2 (MANE Select); coding-DNA position 434, G replaced by T.
Protein change: p.Arg145Leu; replaces arginine 145 with leucine.
Molecular consequence: missense variant.
Genome position (GRCh38, 1-based): chr15:45,111,847, C>A on the plus strand (G>T on the coding strand, the complement: DUOX2 is on the minus strand). VCF-style: chr15-45111847-C-A. GRCh37 (hg19) VCF-style: chr15-45404045-C-A.
Other names: c.434G>T (NM_014080.4); c.434G>T, p.Arg145Leu (NM_014080.5); short protein forms R145L.
Identifiers: ClinVar variation 3611695 (VCV003611695.3).